The following is an entry in ClinVar:

NM_000548.5(TSC2):c.4275G>A (p.Gly1425=)

Gene: TSC2 (TSC complex subunit 2; plus strand). Cytogenetic location: 16p13.3.
Variant type: single nucleotide variant.
Coding change: c.4275G>A on transcript NM_000548.5 (MANE Select); coding-DNA position 4275, G replaced by A.
Protein change: p.Gly1425=; no amino-acid change (glycine 1425 retained).
Molecular consequence: synonymous variant.
Genome position (GRCh38, 1-based): chr16:2,084,497, G>A. VCF-style: chr16-2084497-G-A. GRCh37 (hg19) VCF-style: chr16-2134498-G-A.
Other names: c.4077G>A, p.Gly1359= (NM_001363528.2); c.4143G>A, p.Gly1381= (NM_001370404.1); c.4146G>A, p.Gly1382= (NM_001370405.1, NM_021055.3); c.4074G>A, p.Gly1358= (NM_001077183.3); c.4206G>A, p.Gly1402= (NM_001114382.3); c.3966G>A, p.Gly1322= (NM_001318827.2); c.3930G>A, p.Gly1310= (NM_001318829.2); c.3543G>A, p.Gly1181= (NM_001318831.2); and 1 more.
Identifiers: ClinVar variation 385484 (VCV000385484.24), dbSNP rs1057522238, ClinGen allele CA16607170.

ClinVar aggregate classification (germline): Conflicting classifications of pathogenicity. Review status: criteria provided, conflicting classifications (1 of 4 stars). 6 submissions from 6 submitters: Uncertain significance (1); Benign (1); Likely benign (4). Last evaluated 2026-01-30.

Conditions:
Tuberous sclerosis syndrome (TSC). Also called: Tuberous sclerosis; Tuberous Sclerosis Complex. Identifiers: Orphanet 805, MedGen C0041341, MONDO:0001734.
Hereditary cancer-predisposing syndrome. Also called: Neoplastic Syndromes, Hereditary; Hereditary neoplastic syndrome; Tumor predisposition; Hereditary Cancer Syndrome. Identifiers: Orphanet 140162, MedGen C0027672, MeSH D009386, MONDO:0015356.
Tuberous sclerosis 2 (TSC2). Identifiers: Orphanet 805, MedGen C1860707, MONDO:0013199, OMIM 613254.

Allele frequency attached by ClinVar (database versions not stated): gnomAD 0.00001; gnomAD exomes 0.00001; TOPMed 0.00001.
gnomAD v4.1: 10 of 1,609,262 alleles (0.00062%); highest among the groups gnomAD compares: Admixed American, 0.0034%; no homozygotes.

Submissions (6):

Labcorp Genetics (formerly Invitae), Labcorp
Classification: Likely benign for Tuberous sclerosis 2. Last evaluated: 2026-01-30. Review status: criteria provided, single submitter. Criteria: Invitae Variant Classification Sherloc (09022015). Collection method: clinical testing. Allele origin: germline.

Myriad Genetics, Inc.
Classification: Benign for Tuberous sclerosis 2. Last evaluated: 2025-06-03. Review status: criteria provided, single submitter. Criteria: Myriad Autosomal Dominant, Autosomal Recessive and X-Linked Classification Criteria (2023). Collection method: clinical testing. Allele origin: unknown.
Comment: This variant is considered benign. This variant is a silent/synonymous amino acid change and it is not expected to impact splicing.

Genome-Nilou Lab
Classification: Likely benign for Tuberous sclerosis 2. Last evaluated: 2021-11-07. Review status: criteria provided, single submitter. Criteria: ACMG Guidelines, 2015. Collection method: clinical testing. Allele origin: germline. Affected: no.

Ambry Genetics
Classification: Likely benign for Hereditary cancer-predisposing syndrome. Last evaluated: 2018-06-27. Review status: criteria provided, single submitter. Criteria: Ambry Variant Classification Scheme 2023. Collection method: clinical testing. Allele origin: germline.

Illumina Laboratory Services, Illumina
Classification: Uncertain significance for Tuberous sclerosis syndrome. Last evaluated: 2018-01-13. Review status: criteria provided, single submitter. Criteria: ICSL Variant Classification Criteria 13 December 2019. Collection method: clinical testing. Allele origin: germline.

GeneDx
Classification: Likely benign. Last evaluated: 2016-04-12. Review status: criteria provided, single submitter. Criteria: GeneDx Variant Classification (06012015). Collection method: clinical testing. Allele origin: germline. Affected: yes.
Comment: This variant is considered likely benign or benign based on one or more of the following criteria: it is a conservative change, it occurs at a poorly conserved position in the protein, it is predicted to be benign by multiple in silico algorithms, and/or has population frequency not consistent with disease.